The following is an entry in ClinVar:

NM_015178.3(RHOBTB2):c.1871C>T (p.Ala624Val)

Gene: RHOBTB2 (Rho related BTB domain containing 2; plus strand). Cytogenetic location: 8p21.3.
Variant type: single nucleotide variant.
Coding change: c.1871C>T on transcript NM_015178.3 (MANE Select); coding-DNA position 1871, C replaced by T.
Protein change: p.Ala624Val; replaces alanine 624 with valine.
Molecular consequence: missense variant.
Genome position (GRCh38, 1-based): chr8:23,015,648, C>T. VCF-style: chr8-23015648-C-T. GRCh37 (hg19) VCF-style: chr8-22873161-C-T.
Other names: c.1937C>T, p.Ala646Val (NM_001160036.2); c.1892C>T, p.Ala631Val (NM_001160037.2); c.1871C>T, p.Ala624Val (NM_001374791.1); short protein forms A646V, A624V, A631V.
Identifiers: ClinVar variation 3010243 (VCV003010243.3), dbSNP rs1238745471, ClinGen allele CA370575537.

ClinVar aggregate classification (germline): Uncertain significance (1 of 4 stars; one submission).

Allele frequency attached by ClinVar (database versions not stated): TOPMed below 0.00001.
gnomAD v4.1: 6 of 1,611,982 alleles (0.00037%); highest among the groups gnomAD compares: East Asian, 0.0022%; no homozygotes.

Submission:

Labcorp Genetics (formerly Invitae), Labcorp
Classification: Uncertain significance. Last evaluated: 2023-07-31. Review status: criteria provided, single submitter. Criteria: Invitae Variant Classification Sherloc (09022015). Collection method: clinical testing. Allele origin: germline.
Comment: This sequence change replaces alanine, which is neutral and non-polar, with valine, which is neutral and non-polar, at codon 646 of the RHOBTB2 protein (p.Ala646Val). In summary, the available evidence is currently insufficient to determine the role of this variant in disease. Therefore, it has been classified as a Variant of Uncertain Significance. Advanced modeling of protein sequence and biophysical properties (such as structural, functional, and spatial information, amino acid conservation, physicochemical variation, residue mobility, and thermodynamic stability) performed at Invitae indicates that this missense variant is not expected to disrupt RHOBTB2 protein function. This variant has not been reported in the literature in individuals affected with RHOBTB2-related conditions. This variant is not present in population databases (gnomAD no frequency).